The following is an entry in ClinVar:

NM_001844.5(COL2A1):c.1527+120C>T

Gene: COL2A1 (collagen type II alpha 1 chain; minus strand). Cytogenetic location: 12q13.11.
Variant type: single nucleotide variant.
Coding change: c.1527+120C>T on transcript NM_001844.5 (MANE Select); 120 bases into the intron after coding-DNA position 1527, C replaced by T.
Molecular consequence: intron variant.
Genome position (GRCh38, 1-based): chr12:47,986,216, G>A on the plus strand (C>T on the coding strand, the complement: COL2A1 is on the minus strand). VCF-style: chr12-47986216-G-A. GRCh37 (hg19) VCF-style: chr12-48379999-G-A.
Other names: c.1320+120C>T (NM_033150.3).
Identifiers: ClinVar variation 4980098 (VCV004980098.1).

ClinVar aggregate classification (germline): Likely benign (1 of 4 stars; one submission).

Conditions:
COL2A1-related disorder. Also called: COL2A1-related condition; COL2A1-related disorders.

gnomAD v4.1: 40 of 796,180 alleles (0.005%); highest among the groups gnomAD compares: Middle Eastern, 0.16%; 1 homozygote.

Submission:

PreventionGenetics, part of Exact Sciences
Classification: Likely benign for COL2A1-related condition. Last evaluated: 2026-06-22. Review status: criteria provided, single submitter. Criteria: ACMG Guidelines, 2015. Collection method: clinical testing. Allele origin: germline.
Comment: This variant is classified as likely benign based on ACMG/AMP sequence variant interpretation guidelines (Richards et al. 2015 PMID: 25741868, with internal and published modifications).